The following is an entry in ClinVar:

NM_000353.3(TAT):c.274_275del (p.Glu92fs)

Gene: TAT (tyrosine aminotransferase; minus strand). Cytogenetic location: 16q22.2.
Variant type: Deletion.
Coding change: c.274_275del on transcript NM_000353.3 (MANE Select); coding-DNA positions 274 to 275, 2 bases deleted (GA; older notation c.274_275delGA).
Protein change: p.Glu92fs; shifts the reading frame from glutamic acid 92.
Molecular consequence: frameshift variant.
Genome position (GRCh38, 1-based): chr16:71,575,987-71,575,988, TC deleted on the plus strand (GA on the coding strand, the reverse complement: TAT is on the minus strand). VCF-style (leftmost placement, unchanged base first): chr16-71575986-TTC-T. GRCh37 (hg19) VCF-style: chr16-71609889-TTC-T.
Other names: short protein forms E92fs.
Identifiers: ClinVar variation 1725598 (VCV001725598.2), dbSNP rs2507672235, ClinGen allele CA2580091961.

ClinVar aggregate classification (germline): Likely pathogenic (1 of 4 stars; one submission).

Conditions:
Tyrosinemia type II (TYRSN2). Also called: KERATOSIS PALMOPLANTARIS WITH CORNEAL DYSTROPHY; OREGON TYPE TYROSINEMIA; TAT DEFICIENCY; TYROSINE AMINOTRANSFERASE DEFICIENCY; TYROSINE TRANSAMINASE DEFICIENCY. Identifiers: Orphanet 28378, MedGen C0268487, MONDO:0010160, OMIM 276600.

Submission:

Myriad Genetics, Inc.
Classification: Likely pathogenic for Tyrosinemia type II. Last evaluated: 2022-03-30. Review status: criteria provided, single submitter. Criteria: Myriad Women's Health Autosomal Recessive and X-Linked Classification Criteria (2021). Collection method: clinical testing. Allele origin: unknown.
Comment: NM_000353.2(TAT):c.274_275delGA(E92Sfs*15) is expected to be pathogenic in the context of tyrosinemia type II. This variant is predicted to lead to an abnormal or absent protein product due to the creation of a premature termination codon in TAT, a gene where loss-of-function variants are known to be pathogenic. Please note: this variant was assessed in the context of healthy population screening.